The following is an entry in ClinVar:

NM_000550.3(TYRP1):c.1456G>A (p.Ala486Thr)

Genes: LURAP1L-AS1 (LURAP1L antisense RNA 1; minus strand), TYRP1 (tyrosinase related protein 1; plus strand). Cytogenetic location: 9p23.
Variant type: single nucleotide variant.
Coding change: c.1456G>A on transcript NM_000550.3 (MANE Select); coding-DNA position 1456, G replaced by A.
Protein change: p.Ala486Thr; replaces alanine 486 with threonine.
Molecular consequence: missense variant.
Genome position (GRCh38, 1-based): chr9:12,709,024, G>A. VCF-style: chr9-12709024-G-A. GRCh37 (hg19) VCF-style: chr9-12709024-G-A.
Other names: short protein forms A486T.
Identifiers: ClinVar variation 1355549 (VCV001355549.4), dbSNP rs200607153, ClinGen allele CA4985591.

ClinVar aggregate classification (germline): Conflicting classifications of pathogenicity. Review status: criteria provided, conflicting classifications (1 of 4 stars). 2 submissions from 2 submitters: Uncertain significance (1); Likely benign (1). Last evaluated 2024-10-17.

Allele frequency attached by ClinVar (database versions not stated): gnomAD 0.00019 and 0.00020; ExAC 0.00021; ESP Exome Variant Server 0.00023; gnomAD exomes 0.00023; TOPMed 0.00026.
gnomAD v4.1: 555 of 1,612,624 alleles (0.034%); highest among the groups gnomAD compares: Non-Finnish European, 0.043%; 1 homozygote.

Submissions (2):

Blueprint Genetics
Classification: Likely benign. Last evaluated: 2024-10-17. Review status: criteria provided, single submitter. Criteria: ACMG Guidelines, 2015. Collection method: clinical testing. Allele origin: germline.

Labcorp Genetics (formerly Invitae), Labcorp
Classification: Uncertain significance. Last evaluated: 2022-09-13. Review status: criteria provided, single submitter. Criteria: Invitae Variant Classification Sherloc (09022015). Collection method: clinical testing. Allele origin: germline.
Comment: This sequence change replaces alanine, which is neutral and non-polar, with threonine, which is neutral and polar, at codon 486 of the TYRP1 protein (p.Ala486Thr). This variant is present in population databases (rs200607153, gnomAD 0.04%). This variant has not been reported in the literature in individuals affected with TYRP1-related conditions. ClinVar contains an entry for this variant (Variation ID: 1355549). Advanced modeling of protein sequence and biophysical properties (such as structural, functional, and spatial information, amino acid conservation, physicochemical variation, residue mobility, and thermodynamic stability) performed at Invitae indicates that this missense variant is not expected to disrupt TYRP1 protein function. In summary, the available evidence is currently insufficient to determine the role of this variant in disease. Therefore, it has been classified as a Variant of Uncertain Significance.